The following is an entry in ClinVar:

ClinVar aggregate classification (germline): Uncertain significance (1 of 4 stars; one submission).

Conditions:
Congenital sensory neuropathy with selective loss of small myelinated fibers (HSAN5). Also called: HSAN Type V. Identifiers: Orphanet 64752, MedGen C0020075, MONDO:0012092, OMIM 608654.

Submission:

Labcorp Genetics (formerly Invitae), Labcorp
Classification: Uncertain significance for Congenital sensory neuropathy with selective loss of small myelinated fibers. Last evaluated: 2022-06-27. Review status: criteria provided, single submitter. Criteria: Invitae Variant Classification Sherloc (09022015). Collection method: clinical testing. Allele origin: germline.
Comment: In summary, the available evidence is currently insufficient to determine the role of this variant in disease. Therefore, it has been classified as a Variant of Uncertain Significance. Algorithms developed to predict the effect of missense changes on protein structure and function are either unavailable or do not agree on the potential impact of this missense change (SIFT: "Tolerated"; PolyPhen-2: "Probably Damaging"; Align-GVGD: "Class C0"). This variant has not been reported in the literature in individuals affected with NGF-related conditions. This variant is not present in population databases (gnomAD no frequency). This sequence change replaces proline, which is neutral and non-polar, with threonine, which is neutral and polar, at codon 94 of the NGF protein (p.Pro94Thr).

NM_002506.3(NGF):c.280C>A (p.Pro94Thr)

Genes: NGF (nerve growth factor; minus strand), NGF-AS1 (NGF antisense RNA 1; plus strand). Cytogenetic location: 1p13.2.
Variant type: single nucleotide variant.
Coding change: c.280C>A on transcript NM_002506.3 (MANE Select); coding-DNA position 280, C replaced by A.
Protein change: p.Pro94Thr; replaces proline 94 with threonine.
Molecular consequence: missense variant.
Genome position (GRCh38, 1-based): chr1:115,286,516, G>T on the plus strand (C>A on the coding strand, the complement: NGF is on the minus strand). VCF-style: chr1-115286516-G-T. GRCh37 (hg19) VCF-style: chr1-115829137-G-T.
Other names: short protein forms P94T.
Identifiers: ClinVar variation 1427446 (VCV001427446.6), dbSNP rs2101019032, ClinGen allele CA341836892.
Genomic context (GRCh38, chr1:115,286,516, plus strand): 5'-TGAAGGGGGCAGCACCACCGACCTCGAAGTCCAGATCCTGAGTGTCTGCAGCTTCACGGG[G>T]AGGCTGGGTGCTAAACAGCACACGGGGTGAACGGAGTCGCCGCTTTTTAAACAGCCTGGG-3'
Protein context (NP_002497.2, residues 84-104): SPRVLFSTQP[Pro94Thr]REAADTQDLD